The following is an entry in ClinVar:

ClinVar aggregate classification (germline): Uncertain significance (1 of 4 stars; one submission).

Submission:

Women's Health and Genetics/Laboratory Corporation of America, LabCorp
Classification: Uncertain significance. Last evaluated: 2026-06-16. Review status: criteria provided, single submitter. Criteria: LabCorp Variant Classification Summary - May 2015. Collection method: clinical testing. Allele origin: germline.
Comment: Variant summary: TERT c.2582G>T (p.Gly861Val) results in a non-conservative amino acid change in the encoded protein sequence. Algorithms developed to predict the effect of missense changes on protein structure and function all suggest that this variant is likely to be disruptive. Several computational tools predict a significant impact on normal splicing: Two predict the variant abolishes a 5' splicing donor site. Three predict the variant weakens a 5' donor site. However, these predictions have yet to be confirmed by functional studies. The variant was absent in 250034 control chromosomes. The available data on variant occurrences in the general population are insufficient to allow any conclusion about variant significance. To our knowledge, no occurrence of c.2582G>T in individuals affected with TERT-related conditions and no experimental evidence demonstrating its impact on protein function have been reported. No submitters have cited clinical-significance assessments for this variant to ClinVar. Based on the evidence outlined above, the variant was classified as uncertain significance.

NM_198253.3(TERT):c.2582G>T (p.Gly861Val)

Gene: TERT (telomerase reverse transcriptase; minus strand). Cytogenetic location: 5p15.33.
Variant type: single nucleotide variant.
Coding change: c.2582G>T on transcript NM_198253.3 (MANE Select); coding-DNA position 2582, G replaced by T.
Protein change: p.Gly861Val; replaces glycine 861 with valine.
Molecular consequence: missense variant. On other transcripts: non-coding transcript variant (2).
Genome position (GRCh38, 1-based): chr5:1,268,520, C>A on the plus strand (G>T on the coding strand, the complement: TERT is on the minus strand). VCF-style: chr5-1268520-C-A. GRCh37 (hg19) VCF-style: chr5-1268635-C-A.
Other names: c.2582G>T, p.Gly861Val (NM_001193376.3); short protein forms G861V.
Identifiers: ClinVar variation 4887206 (VCV004887206.1).
Genomic context (GRCh38, chr5:1,268,520, plus strand): 5'-GAATGCATCAAAAGCAAATCAACCCCCACCCAAGCCCCCCTGGGGAAGAGGAGGCCTCAC[C>A]CGTCCCGCCGAATCCCCGCAAACAGCTTGTTCTCCATGTCGCCGTAGCACAGGCTGCAGA-3'
Protein context (NP_937983.2, residues 851-871): NKLFAGIRRD[Gly861Val]LLLRLVDDFL